The following is an entry in ClinVar:

NM_002230.4(JUP):c.311C>G (p.Thr104Ser)

Gene: JUP (junction plakoglobin; minus strand). Cytogenetic location: 17q21.2.
Variant type: single nucleotide variant.
Coding change: c.311C>G on transcript NM_002230.4 (MANE Select); coding-DNA position 311, C replaced by G.
Protein change: p.Thr104Ser; replaces threonine 104 with serine.
Molecular consequence: missense variant.
Genome position (GRCh38, 1-based): chr17:41,769,575, G>C on the plus strand (C>G on the coding strand, the complement: JUP is on the minus strand). VCF-style: chr17-41769575-G-C. GRCh37 (hg19) VCF-style: chr17-39925827-G-C.
Other names: c.311C>G, p.Thr104Ser (NM_001352773.2, NM_001352774.2, NM_001352775.2 and 3 more transcripts); short protein forms T104S.
Identifiers: ClinVar variation 1709581 (VCV001709581.2), dbSNP rs1185864978, ClinGen allele CA399505528.

ClinVar aggregate classification (germline): Uncertain significance (1 of 4 stars; one submission).

Conditions:
Arrhythmogenic right ventricular dysplasia 12. Also called: ARRHYTHMOGENIC RIGHT VENTRICULAR DYSPLASIA, FAMILIAL, 12. Identifiers: MedGen C1969081, MONDO:0012684, OMIM 611528.

Submission:

MGZ Medical Genetics Center
Classification: Uncertain significance for Arrhythmogenic right ventricular dysplasia 12. Last evaluated: 2022-06-14. Review status: criteria provided, single submitter. Criteria: ACMG Guidelines, 2015. Collection method: clinical testing. Allele origin: germline. Affected: yes. Observed: 1 variant allele.
Comment: ACMG criteria applied: PM2_SUP